The following is an entry in ClinVar:

NM_001101362.3(KBTBD13):c.1077A>G (p.Gly359=)

Gene: KBTBD13 (kelch repeat and BTB domain containing 13; plus strand). Cytogenetic location: 15q22.31.
Variant type: single nucleotide variant.
Coding change: c.1077A>G on transcript NM_001101362.3 (MANE Select); coding-DNA position 1077, A replaced by G.
Protein change: p.Gly359=; no amino-acid change (glycine 359 retained).
Molecular consequence: synonymous variant.
Genome position (GRCh38, 1-based): chr15:65,077,892, A>G. VCF-style: chr15-65077892-A-G. GRCh37 (hg19) VCF-style: chr15-65370230-A-G.
Identifiers: ClinVar variation 257450 (VCV000257450.44), dbSNP rs199526404, ClinGen allele CA7614061.

ClinVar aggregate classification (germline): Benign/Likely benign. Review status: criteria provided, multiple submitters, no conflicts (2 of 4 stars). 9 submissions from 9 submitters: Benign (5); Likely benign (4). Last evaluated 2026-03-01.

Conditions:
Nemaline myopathy 6 (NEM6). Also called: Nemaline myopathy 6, autosomal dominant. Identifiers: Orphanet 171439, MedGen C1836472, MONDO:0012237, OMIM 609273.

Allele frequency attached by ClinVar (database versions not stated): 1000 Genomes Project 0.00180; 1000 Genomes Project 30x 0.00187; TOPMed 0.00207; gnomAD exomes 0.00211 and 0.00298; gnomAD 0.00219 and 0.00224; ExAC 0.00238; ESP Exome Variant Server 0.00258.

Submissions (9):

CeGaT Center for Human Genetics Tuebingen
Classification: Likely benign. Last evaluated: 2026-03-01. Review status: criteria provided, single submitter. Criteria: CeGaT Center For Human Genetics Tuebingen Variant Classification Criteria Version 2. Collection method: clinical testing. Allele origin: germline. Affected: yes. Observed: 3 variant alleles.
Comment: KBTBD13: BP4, BP7

Labcorp Genetics (formerly Invitae), Labcorp
Classification: Benign for Nemaline myopathy 6. Last evaluated: 2026-02-02. Review status: criteria provided, single submitter. Criteria: Invitae Variant Classification Sherloc (09022015). Collection method: clinical testing. Allele origin: germline.

Blueprint Genetics
Classification: Likely benign. Last evaluated: 2024-11-13. Review status: criteria provided, single submitter. Criteria: ACMG Guidelines, 2015. Collection method: clinical testing. Allele origin: germline.

Genetic Services Laboratory, University of Chicago
Classification: Benign. Last evaluated: 2020-05-01. Review status: criteria provided, single submitter. Criteria: ACMG Guidelines, 2015. Collection method: clinical testing. Allele origin: germline. Affected: no.

Illumina Laboratory Services, Illumina
Classification: Benign for Nemaline myopathy 6. Last evaluated: 2018-01-12. Review status: criteria provided, single submitter. Criteria: ICSL Variant Classification Criteria 13 December 2019. Collection method: clinical testing. Allele origin: germline.
Comment: This variant was observed in the ICSL laboratory as part of a predisposition screen in an ostensibly healthy population. It had not been previously curated by ICSL or reported in the Human Gene Mutation Database (HGMD: prior to June 1st, 2018), and was therefore a candidate for classification through an automated scoring system. Utilizing variant allele frequency, disease prevalence and penetrance estimates, and inheritance mode, an automated score was calculated to assess if this variant is too frequent to cause the disease. Based on the score and internal cut-off values, a variant classified as benign is not then subjected to further curation. The score for this variant resulted in a classification of benign for this disease.

Athena Diagnostics
Classification: Benign. Last evaluated: 2017-06-06. Review status: criteria provided, single submitter. Criteria: Athena Diagnostics Criteria. Collection method: clinical testing. Allele origin: germline.

GeneDx
Classification: Benign. Last evaluated: 2016-08-08. Review status: criteria provided, single submitter. Criteria: GeneDx Variant Classification (06012015). Collection method: clinical testing. Allele origin: germline. Affected: yes.
Comment: This variant is considered likely benign or benign based on one or more of the following criteria: it is a conservative change, it occurs at a poorly conserved position in the protein, it is predicted to be benign by multiple in silico algorithms, and/or has population frequency not consistent with disease.

Breakthrough Genomics
Classification: Likely benign. Review status: criteria provided, single submitter. Criteria: ACMG Guidelines, 2015. Collection method: not provided. Allele origin: germline. Inheritance: Autosomal dominant inheritance. Affected: yes.

PreventionGenetics, part of Exact Sciences
Classification: Likely benign. Review status: criteria provided, single submitter. Criteria: ACMG Guidelines, 2015. Collection method: clinical testing. Allele origin: germline.